The following is an entry in ClinVar:

ClinVar aggregate classification (germline): Conflicting classifications of pathogenicity. Review status: criteria provided, conflicting classifications (1 of 4 stars). 3 submissions from 3 submitters: Uncertain significance (2); Likely benign (1). Last evaluated 2026-04-08.

Conditions:
Junctional epidermolysis bullosa with pyloric atresia. Also called: EB-PA-ACC; Epidermolysis bullosa, junctional, with pyloric atresia and aplasia cutis congenita; Epidermolysis bullosa junctionalis with pyloric atresia; Junctional Epidermolysis Bullosa- Pyloric Atresia Syndrome; APLASIA CUTIS CONGENITA WITH GASTROINTESTINAL ATRESIA; CARMI SYNDROME. Identifiers: Orphanet 79403, MedGen C5676875, MONDO:0009183, OMIM 226730.

Allele frequency attached by ClinVar (database versions not stated): gnomAD 0.00013 and 0.00014; ESP Exome Variant Server 0.00023; TOPMed 0.00027.
gnomAD v4.1: 114 of 1,612,662 alleles (0.0071%); highest among the groups gnomAD compares: African/African-American, 0.041%; no homozygotes.

Submissions (3):

GeneDx
Classification: Uncertain significance. Last evaluated: 2026-04-08. Review status: criteria provided, single submitter. Criteria: GeneDx Variant Classification Process June 2021. Collection method: clinical testing. Allele origin: germline.
Comment: In silico analysis suggests that this missense variant does not alter protein structure/function; Has not been previously published as pathogenic or benign to our knowledge

Labcorp Genetics (formerly Invitae), Labcorp
Classification: Likely benign. Last evaluated: 2025-12-10. Review status: criteria provided, single submitter. Criteria: Invitae Variant Classification Sherloc (09022015). Collection method: clinical testing. Allele origin: germline.

Illumina Laboratory Services, Illumina
Classification: Uncertain significance for Junctional epidermolysis bullosa with pyloric atresia. Last evaluated: 2018-01-12. Review status: criteria provided, single submitter. Criteria: ICSL Variant Classification Criteria 13 December 2019. Collection method: clinical testing. Allele origin: germline.

NM_000213.5(ITGB4):c.1262C>T (p.Thr421Met)

Gene: ITGB4 (integrin subunit beta 4; plus strand). Cytogenetic location: 17q25.1.
Variant type: single nucleotide variant.
Coding change: c.1262C>T on transcript NM_000213.5 (MANE Select); coding-DNA position 1262, C replaced by T.
Protein change: p.Thr421Met; replaces threonine 421 with methionine.
Molecular consequence: missense variant.
Genome position (GRCh38, 1-based): chr17:75,731,858, C>T. VCF-style: chr17-75731858-C-T. GRCh37 (hg19) VCF-style: chr17-73727939-C-T.
Other names: c.1262C>T, p.Thr421Met (NM_001005619.2, NM_001005731.3, NM_001321123.2); c.1262C>T (NM_000213.3); short protein forms T421M.
Identifiers: ClinVar variation 325137 (VCV000325137.10), dbSNP rs148535298, ClinGen allele CA8768950.